The following is an entry in ClinVar:

NM_001040108.2(MLH3):c.3694C>T (p.Arg1232Cys)

Gene: MLH3 (mutL homolog 3; minus strand). Cytogenetic location: 14q24.3.
Variant type: single nucleotide variant.
Coding change: c.3694C>T on transcript NM_001040108.2 (MANE Select); coding-DNA position 3694, C replaced by T.
Protein change: p.Arg1232Cys; replaces arginine 1232 with cysteine.
Molecular consequence: missense variant. On other transcripts: intron variant (1).
Genome position (GRCh38, 1-based): chr14:75,033,440, G>A on the plus strand (C>T on the coding strand, the complement: MLH3 is on the minus strand). VCF-style: chr14-75033440-G-A. GRCh37 (hg19) VCF-style: chr14-75500143-G-A.
Other names: c.3644-1261C>T (NM_014381.3); short protein forms R1232C.
Identifiers: ClinVar variation 660891 (VCV000660891.15), dbSNP rs550698696, ClinGen allele CA7275358.

ClinVar aggregate classification (germline): Uncertain significance. Review status: criteria provided, multiple submitters, no conflicts (2 of 4 stars). 5 submissions from 5 submitters: Uncertain significance (4). 1 of the submissions does not count toward it. Last evaluated 2025-03-07.

Conditions:
Colorectal cancer. Also called: Colorectal cancer, somatic; Malignant Colorectal Neoplasm. Identifiers: MedGen C0346629, MONDO:0005575, OMIM 114500.
MLH3-related disorder. Also called: MLH3-related condition.
Colorectal cancer, hereditary nonpolyposis, type 7. Identifiers: Orphanet 144, MedGen C1858380, MONDO:0013725, OMIM 614385.

Allele frequency attached by ClinVar (database versions not stated): ExAC 0.00002; gnomAD exomes 0.00003; TOPMed 0.00003; gnomAD 0.00005; 1000 Genomes Project 30x 0.00016; 1000 Genomes Project 0.00020.

Submissions (5):

Labcorp Genetics (formerly Invitae), Labcorp
Classification: Uncertain significance for Colorectal cancer, hereditary nonpolyposis, type 7. Last evaluated: 2025-03-07. Review status: criteria provided, single submitter. Criteria: Invitae Variant Classification Sherloc (09022015). Collection method: clinical testing. Allele origin: germline.
Comment: This sequence change replaces arginine, which is basic and polar, with cysteine, which is neutral and slightly polar, at codon 1232 of the MLH3 protein (p.Arg1232Cys). This variant is present in population databases (rs550698696, gnomAD 0.04%), and has an allele count higher than expected for a pathogenic variant. This variant has not been reported in the literature in individuals affected with MLH3-related conditions. ClinVar contains an entry for this variant (Variation ID: 660891). An algorithm developed to predict the effect of missense changes on protein structure and function (PolyPhen-2) suggests that this variant is likely to be disruptive. In summary, the available evidence is currently insufficient to determine the role of this variant in disease. Therefore, it has been classified as a Variant of Uncertain Significance.

Ambry Genetics
Classification: Uncertain significance. Last evaluated: 2024-10-18. Review status: criteria provided, single submitter. Criteria: Ambry Variant Classification Scheme 2023. Collection method: clinical testing. Allele origin: germline.
Comment: The p.R1232C variant (also known as c.3694C>T), located in coding exon 6 of the MLH3 gene, results from a C to T substitution at nucleotide position 3694. The arginine at codon 1232 is replaced by cysteine, an amino acid with highly dissimilar properties. This amino acid position is highly conserved in available vertebrate species. In addition, this alteration is predicted to be deleterious by in silico analysis. Since supporting evidence is limited at this time, the clinical significance of this alteration remains unclear.

Blueprint Genetics
Classification: Uncertain significance. Last evaluated: 2024-07-10. Review status: criteria provided, single submitter. Criteria: ACMG Guidelines, 2015. Collection method: clinical testing. Allele origin: germline.

Department of Pathology and Laboratory Medicine, Sinai Health System
Classification: Uncertain significance for Colorectal cancer. Last evaluated: 2022-06-15. Review status: criteria provided, single submitter. Criteria: ACMG Guidelines, 2015. Collection method: clinical testing. Allele origin: germline. Affected: yes.

PreventionGenetics, part of Exact Sciences
Classification: Uncertain significance for MLH3-related condition. Last evaluated: 2024-09-26. Review status: no assertion criteria provided. Collection method: clinical testing. Allele origin: germline. Not counted in ClinVar's aggregate classification.
Comment: The MLH3 c.3694C>T variant is predicted to result in the amino acid substitution p.Arg1232Cys. To our knowledge, this variant has not been reported in the literature. This variant is reported in 0.040% of alleles in individuals of East Asian descent in gnomAD, which may be too common to be a primary cause of disease. This variant is classified as a variant of uncertain significance in ClinVar. Although we suspect that this variant may be benign, at this time, the clinical significance of this variant is uncertain due to the absence of conclusive functional and genetic evidence.